The following is an entry in ClinVar:

ClinVar aggregate classification (germline): Uncertain significance (1 of 4 stars; one submission).

Conditions:
Combined oxidative phosphorylation defect type 17. Also called: Combined oxidative phosphorylation deficiency 17. Identifiers: Orphanet 369913, MedGen C3809526, MONDO:0014190, OMIM 615440.

Allele frequency attached by ClinVar (database versions not stated): ExAC 0.00001; gnomAD 0.00001; gnomAD exomes 0.00001; 1000 Genomes Project 30x 0.00016; 1000 Genomes Project 0.00020.
gnomAD v4.1: 13 of 1,614,202 alleles (0.00081%); highest among the groups gnomAD compares: Non-Finnish European, 0.00093%; no homozygotes.

Submission:

Labcorp Genetics (formerly Invitae), Labcorp
Classification: Uncertain significance for Combined oxidative phosphorylation defect type 17. Last evaluated: 2021-09-06. Review status: criteria provided, single submitter. Criteria: Invitae Variant Classification Sherloc (09022015). Collection method: clinical testing. Allele origin: germline.
Comment: This sequence change replaces alanine with valine at codon 335 of the ELAC2 protein (p.Ala335Val). The alanine residue is weakly conserved and there is a small physicochemical difference between alanine and valine. This variant is present in population databases (rs187079048, ExAC 0.002%). This variant has not been reported in the literature in individuals affected with ELAC2-related conditions. Algorithms developed to predict the effect of missense changes on protein structure and function (SIFT, PolyPhen-2, Align-GVGD) all suggest that this variant is likely to be tolerated. In summary, the available evidence is currently insufficient to determine the role of this variant in disease. Therefore, it has been classified as a Variant of Uncertain Significance.

NM_018127.7(ELAC2):c.1004C>T (p.Ala335Val)

Gene: ELAC2 (elaC ribonuclease Z 2; minus strand). Cytogenetic location: 17p12.
Variant type: single nucleotide variant.
Coding change: c.1004C>T on transcript NM_018127.7 (MANE Select); coding-DNA position 1004, C replaced by T.
Protein change: p.Ala335Val; replaces alanine 335 with valine.
Molecular consequence: missense variant.
Genome position (GRCh38, 1-based): chr17:13,003,554, G>A on the plus strand (C>T on the coding strand, the complement: ELAC2 is on the minus strand). VCF-style: chr17-13003554-G-A. GRCh37 (hg19) VCF-style: chr17-12906871-G-A.
Other names: c.884C>T, p.Ala295Val (NM_001165962.2); c.1004C>T, p.Ala335Val (NM_173717.2); short protein forms A335V, A295V.
Identifiers: ClinVar variation 1401069 (VCV001401069.6), dbSNP rs187079048, ClinGen allele CA8401398.
Genomic context (GRCh38, chr17:13,003,554, plus strand): 5'-TGGTACCTGCTGTCCACAAGCACAGATGCTGGGGCCATGTGAACCACCAAGGCCACGGGG[G>A]CATCTGCCTTTCCTTGGTACCTGGGCAGAAGAGTGGGGCTTTACAAAGTGATGCAGACTC-3'
Protein context (NP_060597.4, residues 325-345): TFQRYQGKAD[Ala335Val]PVALVVHMAP